The following is an entry in ClinVar:

NM_001211.6(BUB1B):c.1841C>G (p.Ala614Gly)

Gene: BUB1B (BUB1 mitotic checkpoint serine/threonine kinase B; plus strand). Cytogenetic location: 15q15.1.
Variant type: single nucleotide variant.
Coding change: c.1841C>G on transcript NM_001211.6 (MANE Select); coding-DNA position 1841, C replaced by G.
Protein change: p.Ala614Gly; replaces alanine 614 with glycine.
Molecular consequence: missense variant.
Genome position (GRCh38, 1-based): chr15:40,206,290, C>G. VCF-style: chr15-40206290-C-G. GRCh37 (hg19) VCF-style: chr15-40498491-C-G.
Other names: short protein forms A614G.
Identifiers: ClinVar variation 1781168 (VCV001781168.2), dbSNP rs771484427, ClinGen allele CA7475893.
Genomic context (GRCh38, chr15:40,206,290, plus strand): 5'-CAGGCTTCAGAAATGTAACAATTTGTCCTAACCCAGAAGACACTTGTGACTTTGCCAGAG[C>G]AGCTCGTTTTGTATCCACTCCTTTTCATGAGATAATGTCCTTGAAGGATCTCCCTTCTGA-3'
Protein context (NP_001202.5, residues 604-624): NPEDTCDFAR[Ala614Gly]ARFVSTPFHE

ClinVar aggregate classification (germline): Uncertain significance (1 of 4 stars; one submission).

Conditions:
Inborn genetic diseases. Identifiers: MedGen C0950123, MeSH D030342.

Allele frequency attached by ClinVar (database versions not stated): gnomAD exomes below 0.00001; ExAC 0.00001.
gnomAD v4.1: 1 of 1,614,168 alleles (0.000062%); highest among the groups gnomAD compares: Non-Finnish European, 0.000085%; no homozygotes.

Submission:

Ambry Genetics
Classification: Uncertain significance for Inborn genetic diseases. Last evaluated: 2022-05-22. Review status: criteria provided, single submitter. Criteria: Ambry Variant Classification Scheme 2023. Collection method: clinical testing. Allele origin: germline.
Comment: The p.A614G variant (also known as c.1841C>G), located in coding exon 15 of the BUB1B gene, results from a C to G substitution at nucleotide position 1841. The alanine at codon 614 is replaced by glycine, an amino acid with similar properties. This amino acid position is conserved. In addition, this alteration is predicted to be tolerated by in silico analysis. Since supporting evidence is limited at this time, the clinical significance of this alteration remains unclear.